The following is an entry in ClinVar:

ClinVar aggregate classification (germline): Pathogenic (1 of 4 stars; one submission).

Conditions:
Peutz-Jeghers syndrome (PJS). Also called: Peutz-Jeghers polyposis; Periorificial lentiginosis syndrome; POLYPOSIS, HAMARTOMATOUS INTESTINAL; POLYPS-AND-SPOTS SYNDROME. Identifiers: Orphanet 2869, MedGen C0031269, MeSH D010580, MONDO:0008280, OMIM 175200.

Submission:

Labcorp Genetics (formerly Invitae), Labcorp
Classification: Pathogenic for Peutz-Jeghers syndrome. Last evaluated: 2019-10-23. Review status: criteria provided, single submitter. Criteria: Invitae Variant Classification Sherloc (09022015). Collection method: clinical testing. Allele origin: germline.
Comment: For these reasons, this variant has been classified as Pathogenic. Sub-genic deletion of exons 2-3 has been determined to be pathogenic (PMID: 20435009, 20623358, 16287113, 22775437, 25841653, 21118512). Therefore, deletions that fully encompass that region are also expected to be pathogenic. This variant has been observed in an individual affected with Peutz-Jeghers syndrome (PMID: 17924967). This variant is an in-frame deletion of the genomic region encompassing exons 2-7 of the STK11 gene. It preserves the integrity of the reading frame.

Literature cited by the submitters: PubMed 20435009; PubMed 20623358; PubMed 16287113; PubMed 22775437; PubMed 25841653; PubMed 21118512; PubMed 17924967.

NC_000019.10:g.(?_1218407)_(1222016_?)del

Gene: STK11 (serine/threonine kinase 11; plus strand). Cytogenetic location: 19p13.3.
Variant type: Deletion.
Identifiers: ClinVar variation 831774 (VCV000831774.7).